The following is an entry in ClinVar:

NM_000465.4(BARD1):c.1472G>T (p.Gly491Val)

Gene: BARD1 (BRCA1 associated RING domain 1; minus strand). Cytogenetic location: 2q35.
Variant type: single nucleotide variant.
Coding change: c.1472G>T on transcript NM_000465.4 (MANE Select); coding-DNA position 1472, G replaced by T.
Protein change: p.Gly491Val; replaces glycine 491 with valine.
Molecular consequence: missense variant. On other transcripts: non-coding transcript variant (3), intron variant (3).
Genome position (GRCh38, 1-based): chr2:214,767,578, C>A on the plus strand (G>T on the coding strand, the complement: BARD1 is on the minus strand). VCF-style: chr2-214767578-C-A. GRCh37 (hg19) VCF-style: chr2-215632302-C-A.
Other names: c.1415G>T, p.Gly472Val (NM_001282543.2); c.159-15023G>T (NM_001282548.2); c.216-15023G>T (NM_001282545.2); c.364+24719G>T (NM_001282549.2); short protein forms G472V, G491V.
Identifiers: ClinVar variation 4717542 (VCV004717542.1).

ClinVar aggregate classification (germline): Uncertain significance (1 of 4 stars; one submission).

Conditions:
Familial cancer of breast. Also called: hereditary breast carcinoma; BREAST CANCER, FAMILIAL; Hereditary breast cancer. Identifiers: Orphanet 227535, MedGen C0346153, MONDO:0016419, OMIM 114480. Disease mechanism: loss of function.

Submission:

Labcorp Genetics (formerly Invitae), Labcorp
Classification: Uncertain significance for Familial cancer of breast. Last evaluated: 2025-08-18. Review status: criteria provided, single submitter. Criteria: Invitae Variant Classification Sherloc (09022015). Collection method: clinical testing. Allele origin: germline.
Comment: This sequence change replaces glycine, which is neutral and non-polar, with valine, which is neutral and non-polar, at codon 491 of the BARD1 protein (p.Gly491Val). This variant is not present in population databases (gnomAD no frequency). This variant has not been reported in the literature in individuals affected with BARD1-related conditions. An algorithm developed to predict the effect of missense changes on protein structure and function (PolyPhen-2) suggests that this variant is likely to be disruptive. In summary, the available evidence is currently insufficient to determine the role of this variant in disease. Therefore, it has been classified as a Variant of Uncertain Significance.